The following is an entry in ClinVar:

NM_001042492.3(NF1):c.4259C>G (p.Ser1420Ter)

Gene: NF1 (neurofibromin 1; plus strand). Cytogenetic location: 17q11.2.
Variant type: single nucleotide variant.
Coding change: c.4259C>G on transcript NM_001042492.3 (MANE Select); coding-DNA position 4259, C replaced by G.
Protein change: p.Ser1420Ter; replaces serine 1420 with a stop codon.
Molecular consequence: nonsense.
Genome position (GRCh38, 1-based): chr17:31,258,429, C>G. VCF-style: chr17-31258429-C-G. GRCh37 (hg19) VCF-style: chr17-29585447-C-G.
Other names: c.4196C>G, p.Ser1399Ter (NM_000267.4); short protein forms S1399*, S1420*.
Identifiers: ClinVar variation 1738592 (VCV001738592.8), dbSNP rs2151462037, ClinGen allele CA398997926.

ClinVar aggregate classification (germline): Pathogenic. Review status: criteria provided, multiple submitters, no conflicts (2 of 4 stars). 3 submissions from 3 submitters: Pathogenic (3). Last evaluated 2025-03-31.

Conditions:
Cardiovascular phenotype. Identifiers: MedGen CN230736.
Hereditary cancer-predisposing syndrome. Also called: Neoplastic Syndromes, Hereditary; Tumor predisposition; Hereditary Cancer Syndrome; Hereditary neoplastic syndrome. Identifiers: Orphanet 140162, MedGen C0027672, MeSH D009386, MONDO:0015356.
Neurofibromatosis, type 1 (NF1). Also called: VON RECKLINGHAUSEN DISEASE; NEUROFIBROMATOSIS, TYPE I, SOMATIC; Neurofibromatosis, type I; Peripheral type neurofibromatosis. Identifiers: Orphanet 636, MedGen C0027831, MONDO:0018975, OMIM 162200. Disease mechanism: loss of function.

Submissions (3):

Labcorp Genetics (formerly Invitae), Labcorp
Classification: Pathogenic for Neurofibromatosis, type 1. Last evaluated: 2025-03-31. Review status: criteria provided, single submitter. Criteria: Invitae Variant Classification Sherloc (09022015). Collection method: clinical testing. Allele origin: germline.
Comment: This sequence change creates a premature translational stop signal (p.Ser1399*) in the NF1 gene. It is expected to result in an absent or disrupted protein product. Loss-of-function variants in NF1 are known to be pathogenic (PMID: 10712197, 23913538). This variant is not present in population databases (gnomAD no frequency). This variant has not been reported in the literature in individuals affected with NF1-related conditions. ClinVar contains an entry for this variant (Variation ID: 1738592). For these reasons, this variant has been classified as Pathogenic.

3billion
Classification: Pathogenic for Neurofibromatosis, type 1. Last evaluated: 2024-12-05. Review status: criteria provided, single submitter. Criteria: ACMG Guidelines, 2015. Collection method: clinical testing. Allele origin: germline. Affected: yes.
Comment: The variant is not observed in the gnomAD v4.1.0 dataset. Predicted Consequence/Location: Stop-gained (nonsense): predicted to result in a loss or disruption of normal protein function through nonsense-mediated decay (NMD) or protein truncation. Multiple pathogenic variants are reported downstream of the variant. The variant has been reported at least twice as pathogenic without evidence for the classification (ClinVar ID: VCV001738592). Therefore, this variant is classified as Pathogenic according to the recommendation of ACMG/AMP guideline.

Ambry Genetics
Classification: Pathogenic for Cardiovascular phenotype; Hereditary cancer-predisposing syndrome. Last evaluated: 2017-05-30. Review status: criteria provided, single submitter. Criteria: Ambry Variant Classification Scheme 2023. Collection method: clinical testing. Allele origin: germline.
Comment: The p.S1399* pathogenic mutation (also known as c.4196C>G), located in coding exon 31 of the NF1 gene, results from a C to G substitution at nucleotide position 4196. This changes the amino acid from a serine to a stop codon within coding exon 31. This alteration was identified in the germline of a patient with a somatic (dermal neurofibroma) NF1 mutation (Laycock-van Spyk S et al. Hum. Genomics, 2011 Oct;5:623-90). This alteration is expected to result in loss of function by premature protein truncation or nonsense-mediated mRNA decay. As such, this alteration is interpreted as a disease-causing mutation.

Literature cited by the submitters: PubMed 10712197 (cited by Labcorp Genetics (formerly Invitae), Labcorp); PubMed 23913538 (cited by Labcorp Genetics (formerly Invitae), Labcorp).